The following is an entry in ClinVar:

NM_198253.3(TERT):c.3335T>G (p.Leu1112Arg)

Gene: TERT (telomerase reverse transcriptase; minus strand). Cytogenetic location: 5p15.33.
Variant type: single nucleotide variant.
Coding change: c.3335T>G on transcript NM_198253.3 (MANE Select); coding-DNA position 3335, T replaced by G.
Protein change: p.Leu1112Arg; replaces leucine 1112 with arginine.
Molecular consequence: missense variant. On other transcripts: non-coding transcript variant (2).
Genome position (GRCh38, 1-based): chr5:1,253,792, A>C on the plus strand (T>G on the coding strand, the complement: TERT is on the minus strand). VCF-style: chr5-1253792-A-C. GRCh37 (hg19) VCF-style: chr5-1253907-A-C.
Other names: c.3146T>G, p.Leu1049Arg (NM_001193376.3); short protein forms L1049R, L1112R.
Identifiers: ClinVar variation 4865477 (VCV004865477.1).
Genomic context (GRCh38, chr5:1,253,792, plus strand): 5'-TCCAGGATGGTCTTGAAGTCTGAGGGCAGTGCCGGGTTGGCTGCGGCCTCCAGGGCAGTC[A>C]GCGTCGTCCCCGGGAGCTTCCGACTCAGCTGCGTCTGGGCTGCGGGGCCAAAATCAGACT-3'
Protein context (NP_937983.2, residues 1102-1122): QLSRKLPGTT[Leu1112Arg]TALEAAANPA

ClinVar aggregate classification (germline): Uncertain significance (1 of 4 stars; one submission).

Conditions:
Dyskeratosis congenita. Identifiers: Orphanet 1775, MedGen C0265965, MONDO:0015780.

Submission:

Ambry Genetics
Classification: Uncertain significance for Dyskeratosis congenita. Last evaluated: 2026-05-14. Review status: criteria provided, single submitter. Criteria: Ambry Variant Classification Scheme 2023. Collection method: clinical testing. Allele origin: germline.
Comment: The p.L1112R variant (also known as c.3335T>G), located in coding exon 16 of the TERT gene, results from a T to G substitution at nucleotide position 3335. The leucine at codon 1112 is replaced by arginine, an amino acid with dissimilar properties. This amino acid position is conserved. In addition, the in silico prediction for this alteration is inconclusive. Based on the available evidence, the clinical significance of this variant remains unclear.